The following is an entry in ClinVar:

ClinVar aggregate classification (germline): Uncertain significance. Review status: criteria provided, multiple submitters, no conflicts (2 of 4 stars). 2 submissions from 2 submitters: Uncertain significance (2). Last evaluated 2022-06-10.

Conditions:
Cowden syndrome (CS). Also called: Cowden's disease; Cowden's syndrome; Cowden disease. Identifiers: Orphanet 201, MedGen C0018553, MONDO:0016063. Disease mechanism: gain of function.
Inborn genetic diseases. Identifiers: MedGen C0950123, MeSH D030342.

gnomAD v4.1: 1 of 1,611,116 alleles (0.000062%); highest among the groups gnomAD compares: Non-Finnish European, 0.000085%; no homozygotes.

Submissions (2):

Ambry Genetics
Classification: Uncertain significance for Inborn genetic diseases. Last evaluated: 2022-06-10. Review status: criteria provided, single submitter. Criteria: Ambry Variant Classification Scheme 2023. Collection method: clinical testing. Allele origin: germline.
Comment: The p.A533G variant (also known as c.1598C>G), located in coding exon 9 of the PIK3CA gene, results from a C to G substitution at nucleotide position 1598. The alanine at codon 533 is replaced by glycine, an amino acid with similar properties. This amino acid position is conserved. In addition, this alteration is predicted to be tolerated by in silico analysis. Since supporting evidence is limited at this time, the clinical significance of this alteration remains unclear.

Labcorp Genetics (formerly Invitae), Labcorp
Classification: Uncertain significance for Cowden syndrome. Last evaluated: 2019-09-30. Review status: criteria provided, single submitter. Criteria: Invitae Variant Classification Sherloc (09022015). Collection method: clinical testing. Allele origin: germline.
Comment: In summary, the available evidence is currently insufficient to determine the role of this variant in disease. Therefore, it has been classified as a Variant of Uncertain Significance. Algorithms developed to predict the effect of missense changes on protein structure and function (SIFT, PolyPhen-2, Align-GVGD) all suggest that this variant is likely to be tolerated, but these predictions have not been confirmed by published functional studies and their clinical significance is uncertain. This variant has not been reported in the literature in individuals with PIK3CA-related conditions. This variant is not present in population databases (ExAC no frequency). This sequence change replaces alanine with glycine at codon 533 of the PIK3CA protein (p.Ala533Gly). The alanine residue is moderately conserved and there is a small physicochemical difference between alanine and glycine.

NM_006218.4(PIK3CA):c.1598C>G (p.Ala533Gly)

Gene: PIK3CA (phosphatidylinositol-4,5-bisphosphate 3-kinase catalytic subunit alpha; plus strand). Cytogenetic location: 3q26.32.
Variant type: single nucleotide variant.
Coding change: c.1598C>G on transcript NM_006218.4 (MANE Select); coding-DNA position 1598, C replaced by G.
Protein change: p.Ala533Gly; replaces alanine 533 with glycine.
Molecular consequence: missense variant.
Genome position (GRCh38, 1-based): chr3:179,218,268, C>G. VCF-style: chr3-179218268-C-G. GRCh37 (hg19) VCF-style: chr3-178936056-C-G.
Other names: short protein forms A533G.
Identifiers: ClinVar variation 961663 (VCV000961663.12), dbSNP rs1724886930, ClinGen allele CA355264889.